The following is an entry in ClinVar:

ClinVar aggregate classification (germline): Conflicting classifications of pathogenicity. Review status: criteria provided, conflicting classifications (1 of 4 stars). 4 submissions from 4 submitters: Uncertain significance (2); Likely benign (2). Last evaluated 2025-06-09.

Allele frequency attached by ClinVar (database versions not stated): gnomAD 0.00006; gnomAD exomes 0.00012; ExAC 0.00015; 1000 Genomes Project 30x 0.00016; 1000 Genomes Project 0.00020.
gnomAD v4.1: 364 of 1,612,134 alleles (0.023%); highest among the groups gnomAD compares: Non-Finnish European, 0.029%; 1 homozygote.

Submissions (4):

Labcorp Genetics (formerly Invitae), Labcorp
Classification: Likely benign. Last evaluated: 2025-06-09. Review status: criteria provided, single submitter. Criteria: Invitae Variant Classification Sherloc (09022015). Collection method: clinical testing. Allele origin: germline.

Blueprint Genetics
Classification: Uncertain significance. Last evaluated: 2024-11-25. Review status: criteria provided, single submitter. Criteria: ACMG Guidelines, 2015. Collection method: clinical testing. Allele origin: germline.

Eurofins Ntd Llc (ga)
Classification: Uncertain significance. Last evaluated: 2017-01-17. Review status: criteria provided, single submitter. Criteria: EGL Classification Definitions 2015. Collection method: clinical testing. Allele origin: germline. Observed: 1 variant allele, 1 heterozygote.

GeneDx
Classification: Likely benign. Last evaluated: 2015-03-03. Review status: criteria provided, single submitter. Criteria: GeneDx Variant Classification Process June 2021. Collection method: clinical testing. Allele origin: germline. Affected: yes.
Comment: See Variant Classification Assertion Criteria.

NM_000350.3(ABCA4):c.1267C>T (p.His423Tyr)

Gene: ABCA4 (ATP binding cassette subfamily A member 4; minus strand). Cytogenetic location: 1p22.1.
Variant type: single nucleotide variant.
Coding change: c.1267C>T on transcript NM_000350.3 (MANE Select); coding-DNA position 1267, C replaced by T.
Protein change: p.His423Tyr; replaces histidine 423 with tyrosine.
Molecular consequence: missense variant.
Genome position (GRCh38, 1-based): chr1:94,078,679, G>A on the plus strand (C>T on the coding strand, the complement: ABCA4 is on the minus strand). VCF-style: chr1-94078679-G-A. GRCh37 (hg19) VCF-style: chr1-94544235-G-A.
Other names: c.1267C>T, p.His423Tyr (NM_001425324.1); short protein forms H423Y.
Identifiers: ClinVar variation 500022 (VCV000500022.15), dbSNP rs138044729, ClinGen allele CA958578.
Genomic context (GRCh38, chr1:94,078,679, plus strand): 5'-CAAAGAAGTACCAGATCTGGGGCCCTACTTCTTCCCAGGCTTTGACCAACTTCCTAACGT[G>A]TTCCAGTTCTTCAAAAGTTGAGTTGGCCTAAAACCAGACAGAGATCAAGACAGAGACACG-3'
Protein context (NP_000341.2, residues 413-433): NANSTFEELE[His423Tyr]VRKLVKAWEE